The following is an entry in ClinVar:

ClinVar aggregate classification (germline): Benign/Likely benign. Review status: criteria provided, multiple submitters, no conflicts (2 of 4 stars). 6 submissions from 6 submitters: Benign (1); Likely benign (5). Last evaluated 2025-10-11.

Conditions:
Isolated focal cortical dysplasia type II (FCORD2). Also called: Focal cortical dysplasia type II; CORTICAL DYSPLASIA OF TAYLOR. Identifiers: Orphanet 268994, MedGen C1846385, MONDO:0011818, OMIM 607341, HP:0032051.
Lymphangiomyomatosis (LAM). Also called: Lymphangioleiomyomatosis, somatic; Lymphangioleiomyomatosis. Identifiers: Orphanet 538, MedGen C0751674, MONDO:0011705, OMIM 606690.
Tuberous sclerosis 2 (TSC2). Identifiers: Orphanet 805, MedGen C1860707, MONDO:0013199, OMIM 613254.

Allele frequency attached by ClinVar (database versions not stated): gnomAD exomes 0.00001 and 0.00003; TOPMed 0.00006; gnomAD 0.00007.
gnomAD v4.1: 26 of 1,612,434 alleles (0.0016%); highest among the groups gnomAD compares: Admixed American, 0.028%; no homozygotes.

Submissions (6):

Labcorp Genetics (formerly Invitae), Labcorp
Classification: Likely benign for Tuberous sclerosis 2. Last evaluated: 2025-10-11. Review status: criteria provided, single submitter. Criteria: Invitae Variant Classification Sherloc (09022015). Collection method: clinical testing. Allele origin: germline.

Myriad Genetics, Inc.
Classification: Likely benign for Tuberous sclerosis 2. Last evaluated: 2025-06-06. Review status: criteria provided, single submitter. Criteria: Myriad Autosomal Dominant, Autosomal Recessive and X-Linked Classification Criteria (2023). Collection method: clinical testing. Allele origin: unknown.
Comment: This variant is considered likely benign. This variant is intronic and is not expected to impact mRNA splicing.

Fulgent Genetics
Classification: Likely benign for Lymphangiomyomatosis; Isolated focal cortical dysplasia type II; Tuberous sclerosis 2. Last evaluated: 2022-02-16. Review status: criteria provided, single submitter. Criteria: ACMG Guidelines, 2015. Collection method: clinical testing. Allele origin: unknown.

Blueprint Genetics
Classification: Likely benign. Last evaluated: 2021-12-17. Review status: criteria provided, single submitter. Criteria: ACMG Guidelines, 2015. Collection method: clinical testing. Allele origin: germline.

Genome-Nilou Lab
Classification: Benign for Tuberous sclerosis 2. Last evaluated: 2021-11-07. Review status: criteria provided, single submitter. Criteria: ACMG Guidelines, 2015. Collection method: clinical testing. Allele origin: germline. Affected: no.

GeneDx
Classification: Likely benign. Last evaluated: 2016-03-18. Review status: criteria provided, single submitter. Criteria: GeneDx Variant Classification (06012015). Collection method: clinical testing. Allele origin: germline. Affected: yes.
Comment: This variant is considered likely benign or benign based on one or more of the following criteria: it is a conservative change, it occurs at a poorly conserved position in the protein, it is predicted to be benign by multiple in silico algorithms, and/or has population frequency not consistent with disease.

NM_000548.5(TSC2):c.5259+9T>C

Gene: TSC2 (TSC complex subunit 2; plus strand). Cytogenetic location: 16p13.3.
Variant type: single nucleotide variant.
Coding change: c.5259+9T>C on transcript NM_000548.5 (MANE Select); 9 bases into the intron after coding-DNA position 5259, T replaced by C.
Molecular consequence: intron variant.
Genome position (GRCh38, 1-based): chr16:2,088,334, T>C. VCF-style: chr16-2088334-T-C. GRCh37 (hg19) VCF-style: chr16-2138335-T-C.
Other names: c.5190+9T>C (NM_001114382.3); c.5130+9T>C (NM_021055.3); c.5118+9T>C (NM_001370405.1); c.5061+9T>C (NM_001363528.2); c.5127+9T>C (NM_001370404.1); c.5058+9T>C (NM_001077183.3); c.4950+9T>C (NM_001318827.2); c.4527+9T>C (NM_001318831.2); and 2 more.
Identifiers: ClinVar variation 384637 (VCV000384637.17), dbSNP rs1057522018, ClinGen allele CA16606962.